The following is an entry in ClinVar:

ClinVar aggregate classification (germline): Uncertain significance (0 of 4 stars; one submission).

Conditions:
CACNA1I-related disorder. Also called: CACNA1I-related condition.

Submission:

PreventionGenetics, part of Exact Sciences
Classification: Uncertain significance for CACNA1I-related condition. Last evaluated: 2024-04-25. Review status: no assertion criteria provided. Collection method: clinical testing. Allele origin: germline.
Comment: The CACNA1I c.6331C>G variant is predicted to result in the amino acid substitution p.Arg2111Gly. To our knowledge, this variant has not been reported in the literature or in a large population database, indicating this variant is rare. At this time, the clinical significance of this variant is uncertain due to the absence of conclusive functional and genetic evidence.

NM_021096.4(CACNA1I):c.6331C>G (p.Arg2111Gly)

Gene: CACNA1I (calcium voltage-gated channel subunit alpha1 I; plus strand). Cytogenetic location: 22q13.1.
Variant type: single nucleotide variant.
Coding change: c.6331C>G on transcript NM_021096.4 (MANE Select); coding-DNA position 6331, C replaced by G.
Protein change: p.Arg2111Gly; replaces arginine 2111 with glycine.
Molecular consequence: missense variant.
Genome position (GRCh38, 1-based): chr22:39,686,064, C>G. VCF-style: chr22-39686064-C-G. GRCh37 (hg19) VCF-style: chr22-40082069-C-G.
Other names: c.6226C>G, p.Arg2076Gly (NM_001003406.2); short protein forms R2076G, R2111G.
Identifiers: ClinVar variation 3344937 (VCV003344937.1).